The following is an entry in ClinVar:

NM_153741.2(DPM3):c.-6+6T>C

Genes: DPM3 (dolichyl-phosphate mannosyltransferase subunit 3, regulatory; minus strand), LOC129931553 (ATAC-STARR-seq lymphoblastoid active region 1807; plus strand). Cytogenetic location: 1q22.
Variant type: single nucleotide variant.
Coding change: c.-6+6T>C on transcript NM_153741.2 (MANE Select); 6 bases into the intron after 6 bases upstream of the start codon, T replaced by C.
Molecular consequence: intron variant.
Genome position (GRCh38, 1-based): chr1:155,140,485, A>G on the plus strand (T>C on the coding strand, the complement: DPM3 is on the minus strand). VCF-style: chr1-155140485-A-G. GRCh37 (hg19) VCF-style: chr1-155112961-A-G.
Identifiers: ClinVar variation 383631 (VCV000383631.1), dbSNP rs558745578, ClinGen allele CA16603451.

ClinVar aggregate classification (germline): Likely benign (1 of 4 stars; one submission).

Allele frequency attached by ClinVar (database versions not stated): 1000 Genomes Project 30x 0.00016; gnomAD exomes 0.00019; 1000 Genomes Project 0.00020.

Submission:

GeneDx
Classification: Likely benign. Last evaluated: 2016-03-04. Review status: criteria provided, single submitter. Criteria: GeneDx Variant Classification (06012015). Collection method: clinical testing. Allele origin: germline. Affected: yes.
Comment: This variant is considered likely benign or benign based on one or more of the following criteria: it is a conservative change, it occurs at a poorly conserved position in the protein, it is predicted to be benign by multiple in silico algorithms, and/or has population frequency not consistent with disease.